The following is an entry in ClinVar:

ClinVar aggregate classification (germline): Uncertain significance (1 of 4 stars; one submission).

gnomAD v4.1: 2 of 1,612,532 alleles (0.00012%); highest among the groups gnomAD compares: Non-Finnish European, 0.000085%; no homozygotes.

Submission:

Labcorp Genetics (formerly Invitae), Labcorp
Classification: Uncertain significance. Last evaluated: 2024-06-03. Review status: criteria provided, single submitter. Criteria: Invitae Variant Classification Sherloc (09022015). Collection method: clinical testing. Allele origin: germline.
Comment: This sequence change falls in intron 34 of the FOCAD gene. It does not directly change the encoded amino acid sequence of the FOCAD protein. It affects a nucleotide within the consensus splice site. This variant is not present in population databases (gnomAD no frequency). This variant has not been reported in the literature in individuals affected with FOCAD-related conditions. Variants that disrupt the consensus splice site are a relatively common cause of aberrant splicing (PMID: 17576681, 9536098). Algorithms developed to predict the effect of sequence changes on RNA splicing suggest that this variant may disrupt the consensus splice site. In summary, the available evidence is currently insufficient to determine the role of this variant in disease. Therefore, it has been classified as a Variant of Uncertain Significance.

Literature cited by the submitters: PubMed 17576681; PubMed 9536098.

NM_001375567.1(FOCAD):c.3877-3C>T

Gene: FOCAD (focadhesin; plus strand). Cytogenetic location: 9p21.3.
Variant type: single nucleotide variant.
Coding change: c.3877-3C>T on transcript NM_001375567.1 (MANE Select); 3 bases into the intron before coding-DNA position 3877, C replaced by T.
Molecular consequence: intron variant.
Genome position (GRCh38, 1-based): chr9:20,949,601, C>T. VCF-style: chr9-20949601-C-T. GRCh37 (hg19) VCF-style: chr9-20949600-C-T.
Other names: c.3877-3C>T (NM_017794.5); c.3772-3C>T (NM_001375568.1, NM_001375570.1).
Identifiers: ClinVar variation 3633154 (VCV003633154.2).